The following is an entry in ClinVar:

ClinVar aggregate classification (germline): Conflicting classifications of pathogenicity. Review status: criteria provided, conflicting classifications (1 of 4 stars). 8 submissions from 6 submitters: Uncertain significance (7); Likely benign (1). Last evaluated 2026-05-21.

Conditions:
Inborn genetic diseases. Identifiers: MedGen C0950123, MeSH D030342.
Hereditary spastic paraplegia 11. Also called: SPASTIC PARAPLEGIA, AUTOSOMAL RECESSIVE, COMPLICATED, WITH THIN CORPUS CALLOSUM; SPASTIC PARAPLEGIA, AUTOSOMAL RECESSIVE, WITH MENTAL IMPAIRMENT AND THIN CORPUS CALLOSUM; Spastic paraplegia, mental retardation and thin corpus callosum; Nakamura Osame syndrome; Autosomal recessive hereditary spastic paraplegia, mental impairment, and thin corpus callosum; Spastic Paraplegia 11. Identifiers: Orphanet 2822, MedGen C1858479, MONDO:0011445, OMIM 604360.
Charcot-Marie-Tooth disease axonal type 2X. Also called: CHARCOT-MARIE-TOOTH DISEASE, AXONAL, AUTOSOMAL RECESSIVE, TYPE 2X; CHARCOT-MARIE-TOOTH NEUROPATHY, TYPE 2X. Identifiers: Orphanet 466775, MedGen C5569024, MONDO:0014726, OMIM 616668.
Amyotrophic lateral sclerosis type 5 (ALS5). Also called: AMYOTROPHIC LATERAL SCLEROSIS 5, JUVENILE. Identifiers: Orphanet 300605, MedGen C1865864, MONDO:0011196, OMIM 602099.

Allele frequency attached by ClinVar (database versions not stated): TOPMed 0.00029; gnomAD 0.00009 and 0.00011; gnomAD exomes 0.00003; ExAC 0.00006; ESP Exome Variant Server 0.00008.
gnomAD v4.1: 68 of 1,614,012 alleles (0.0042%); highest among the groups gnomAD compares: Admixed American, 0.027%; no homozygotes.

Submissions (8):

GeneDx
Classification: Uncertain significance. Last evaluated: 2026-05-21. Review status: criteria provided, single submitter. Criteria: GeneDx Variant Classification Process June 2021. Collection method: clinical testing. Allele origin: germline.
Comment: In silico analysis suggests that this missense variant does not alter protein structure/function; Not observed at significant frequency in large population cohorts (gnomAD); This variant is associated with the following publications: (PMID: 33144682)

Mayo Clinic Laboratories, Mayo Clinic
Classification: Uncertain significance. Last evaluated: 2025-07-22. Review status: criteria provided, single submitter. Criteria: ACMG Guidelines, 2015. Collection method: clinical testing. Allele origin: germline. Observed: 1 variant allele.
Comment: BP4_moderate

Labcorp Genetics (formerly Invitae), Labcorp
Classification: Uncertain significance for Hereditary spastic paraplegia 11. Last evaluated: 2024-12-24. Review status: criteria provided, single submitter. Criteria: Invitae Variant Classification Sherloc (09022015). Collection method: clinical testing. Allele origin: germline.
Comment: This sequence change replaces aspartic acid, which is acidic and polar, with glutamic acid, which is acidic and polar, at codon 1186 of the SPG11 protein (p.Asp1186Glu). This variant is present in population databases (rs201902382, gnomAD 0.006%). This variant has not been reported in the literature in individuals affected with SPG11-related conditions. ClinVar contains an entry for this variant (Variation ID: 859107). Invitae Evidence Modeling of protein sequence and biophysical properties (such as structural, functional, and spatial information, amino acid conservation, physicochemical variation, residue mobility, and thermodynamic stability) indicates that this missense variant is not expected to disrupt SPG11 protein function with a negative predictive value of 80%. In summary, the available evidence is currently insufficient to determine the role of this variant in disease. Therefore, it has been classified as a Variant of Uncertain Significance.

Ambry Genetics
Classification: Likely benign for Inborn genetic diseases. Last evaluated: 2024-02-29. Review status: criteria provided, single submitter. Criteria: Ambry Variant Classification Scheme 2023. Collection method: clinical testing. Allele origin: germline.

Athena Diagnostics
Classification: Uncertain significance. Last evaluated: 2020-03-04. Review status: criteria provided, single submitter. Criteria: Athena Diagnostics Criteria. Collection method: clinical testing. Allele origin: unknown.

Genome-Nilou Lab
Classification: Uncertain significance for Amyotrophic lateral sclerosis type 5. Review status: criteria provided, single submitter. Criteria: ACMG Guidelines, 2015. Collection method: clinical testing. Allele origin: germline.

Genome-Nilou Lab
Classification: Uncertain significance for Charcot-Marie-Tooth disease axonal type 2X. Review status: criteria provided, single submitter. Criteria: ACMG Guidelines, 2015. Collection method: clinical testing. Allele origin: germline.

Genome-Nilou Lab
Classification: Uncertain significance for Hereditary spastic paraplegia 11. Review status: criteria provided, single submitter. Criteria: ACMG Guidelines, 2015. Collection method: clinical testing. Allele origin: germline.

Literature cited by the submitters: PubMed 33144682 (cited by Mayo Clinic Laboratories, Mayo Clinic).

NM_025137.4(SPG11):c.3558C>G (p.Asp1186Glu)

Gene: SPG11 (SPG11 vesicle trafficking associated, spatacsin; minus strand). Cytogenetic location: 15q21.1.
Variant type: single nucleotide variant.
Coding change: c.3558C>G on transcript NM_025137.4 (MANE Select); coding-DNA position 3558, C replaced by G.
Protein change: p.Asp1186Glu; replaces aspartic acid 1186 with glutamic acid.
Molecular consequence: missense variant.
Genome position (GRCh38, 1-based): chr15:44,600,595, G>C on the plus strand (C>G on the coding strand, the complement: SPG11 is on the minus strand). VCF-style: chr15-44600595-G-C. GRCh37 (hg19) VCF-style: chr15-44892793-G-C.
Other names: p.Asp1186Glu; c.3558C>G, p.Asp1186Glu (NM_001160227.2); short protein forms D1186E.
Identifiers: ClinVar variation 859107 (VCV000859107.11), dbSNP rs201902382, ClinGen allele CA7534902.